The following is an entry in ClinVar:

ClinVar aggregate classification (germline): Conflicting classifications of pathogenicity. Review status: criteria provided, conflicting classifications (1 of 4 stars). 7 submissions from 7 submitters: Uncertain significance (1); Likely benign (5). 1 of the submissions does not count toward it. Last evaluated 2026-01-10.

Conditions:
Inborn genetic diseases. Identifiers: MedGen C0950123, MeSH D030342.
FANCM-related disorder. Also called: FANCM-related condition.
Fanconi anemia (FA). Also called: Fanconi's anemia. Identifiers: Orphanet 84, MedGen C0015625, MeSH D005199, MONDO:0019391.

Allele frequency attached by ClinVar (database versions not stated): gnomAD exomes 0.00004 and 0.00011; ESP Exome Variant Server 0.00008; ExAC 0.00012; gnomAD 0.00047 and 0.00050; TOPMed 0.00056; 1000 Genomes Project 30x 0.00109; 1000 Genomes Project 0.00140.
gnomAD v4.1: 135 of 1,612,932 alleles (0.0084%); highest among the groups gnomAD compares: African/African-American, 0.17%; no homozygotes.

Submissions (7):

Labcorp Genetics (formerly Invitae), Labcorp
Classification: Likely benign for Fanconi anemia. Last evaluated: 2026-01-10. Review status: criteria provided, single submitter. Criteria: Invitae Variant Classification Sherloc (09022015). Collection method: clinical testing. Allele origin: germline.

GeneDx
Classification: Uncertain significance. Last evaluated: 2025-03-21. Review status: criteria provided, single submitter. Criteria: GeneDx Variant Classification Process June 2021. Collection method: clinical testing. Allele origin: germline. Affected: yes.
Comment: In silico analysis supports that this variant does not alter splicing; Has not been previously published as pathogenic or benign to our knowledge

Ambry Genetics
Classification: Likely benign for Inborn genetic diseases. Last evaluated: 2024-11-18. Review status: criteria provided, single submitter. Criteria: Ambry Variant Classification Scheme 2023. Collection method: clinical testing. Allele origin: germline.

Blueprint Genetics
Classification: Likely benign. Last evaluated: 2024-07-11. Review status: criteria provided, single submitter. Criteria: ACMG Guidelines, 2015. Collection method: clinical testing. Allele origin: germline.

Quest Diagnostics Nichols Institute San Juan Capistrano
Classification: Likely benign. Last evaluated: 2022-12-20. Review status: criteria provided, single submitter. Criteria: Quest Diagnostics criteria. Collection method: clinical testing. Allele origin: unknown.

Genetic Services Laboratory, University of Chicago
Classification: Likely benign. Last evaluated: 2021-08-12. Review status: criteria provided, single submitter. Criteria: ACMG Guidelines, 2015. Collection method: clinical testing. Allele origin: germline. Affected: no.

PreventionGenetics, part of Exact Sciences
Classification: Likely benign for FANCM-related condition. Last evaluated: 2019-04-09. Review status: no assertion criteria provided. Collection method: clinical testing. Allele origin: germline. Not counted in ClinVar's aggregate classification.
Comment: This variant is classified as likely benign based on ACMG/AMP sequence variant interpretation guidelines (Richards et al. 2015 PMID: 25741868, with internal and published modifications).

NM_020937.4(FANCM):c.3681A>G (p.Leu1227=)

Gene: FANCM (FA complementation group M; plus strand). Cytogenetic location: 14q21.2.
Variant type: single nucleotide variant.
Coding change: c.3681A>G on transcript NM_020937.4 (MANE Select); coding-DNA position 3681, A replaced by G.
Protein change: p.Leu1227=; no amino-acid change (leucine 1227 retained).
Molecular consequence: synonymous variant.
Genome position (GRCh38, 1-based): chr14:45,176,435, A>G. VCF-style: chr14-45176435-A-G. GRCh37 (hg19) VCF-style: chr14-45645638-A-G.
Other names: c.3603A>G, p.Leu1201= (NM_001308133.2).
Identifiers: ClinVar variation 700142 (VCV000700142.26), dbSNP rs61749475, ClinGen allele CA7169554.